The following is an entry in ClinVar:

NM_000497.4(CYP11B1):c.1375G>A (p.Glu459Lys)

Genes: CYP11B1 (cytochrome P450 family 11 subfamily B member 1; minus strand), LOC106799833 (CYP11B1 recombination region; plus strand). Cytogenetic location: 8q24.3.
Variant type: single nucleotide variant.
Coding change: c.1375G>A on transcript NM_000497.4 (MANE Select); coding-DNA position 1375, G replaced by A.
Protein change: p.Glu459Lys; replaces glutamic acid 459 with lysine.
Molecular consequence: missense variant. On other transcripts: intron variant (1).
Genome position (GRCh38, 1-based): chr8:142,874,980, C>T on the plus strand (G>A on the coding strand, the complement: CYP11B1 is on the minus strand). VCF-style: chr8-142874980-C-T. GRCh37 (hg19) VCF-style: chr8-143956396-C-T.
Other names: c.1200+254G>A (NM_001026213.1); short protein forms E459K.
Identifiers: ClinVar variation 1328903 (VCV001328903.2), dbSNP rs1331556179, ClinGen allele CA372391307.
Genomic context (GRCh38, chr8:142,874,980, plus strand): 5'-CCCCGCCCAGGCCCCTCCCCAGCCCGGGCCTGCTCACATGGTGCAGCAGCAGCAGCATCT[C>T]TGCCTCTGCCAGGCGCCGCCCAAGGCACTGGCGCATGCCAAAGCCAAAGGGCACGTGGTA-3'
Protein context (NP_000488.3, residues 449-469): QCLGRRLAEA[Glu459Lys]MLLLLHHVLK

ClinVar aggregate classification (germline): Uncertain significance (1 of 4 stars; one submission).

Allele frequency attached by ClinVar (database versions not stated): gnomAD exomes below 0.00001; gnomAD 0.00001 and 0.00002; TOPMed 0.00003.
gnomAD v4.1: 4 of 1,613,870 alleles (0.00025%); highest among the groups gnomAD compares: African/African-American, 0.0013%; no homozygotes.

Submission:

GeneDx
Classification: Uncertain significance. Last evaluated: 2021-06-17. Review status: criteria provided, single submitter. Criteria: GeneDx Variant Classification Process June 2021. Collection method: clinical testing. Allele origin: germline. Affected: yes.
Comment: In silico analysis supports that this missense variant has a deleterious effect on protein structure/function; Has not been previously published as pathogenic or benign to our knowledge; This variant is associated with the following publications: (PMID: 27535533)